The following is an entry in ClinVar:

ClinVar aggregate classification (germline): Uncertain significance (1 of 4 stars; one submission).

Conditions:
Hereditary cancer-predisposing syndrome. Also called: Neoplastic Syndromes, Hereditary; Tumor predisposition; Hereditary Cancer Syndrome; Hereditary neoplastic syndrome. Identifiers: Orphanet 140162, MedGen C0027672, MeSH D009386, MONDO:0015356.

Submission:

Ambry Genetics
Classification: Uncertain significance for Hereditary cancer-predisposing syndrome. Last evaluated: 2021-10-16. Review status: criteria provided, single submitter. Criteria: Ambry Variant Classification Scheme 2023. Collection method: clinical testing. Allele origin: germline.
Comment: The p.S667R variant (also known as c.1999A>C), located in coding exon 7 of the AXIN2 gene, results from an A to C substitution at nucleotide position 1999. The serine at codon 667 is replaced by arginine, an amino acid with dissimilar properties. This amino acid position is conserved. In addition, this alteration is predicted to be tolerated by in silico analysis. Since supporting evidence is limited at this time, the clinical significance of this alteration remains unclear.

NM_004655.4(AXIN2):c.1999A>C (p.Ser667Arg)

Gene: AXIN2 (axin 2; minus strand). Cytogenetic location: 17q24.1.
Variant type: single nucleotide variant.
Coding change: c.1999A>C on transcript NM_004655.4 (MANE Select); coding-DNA position 1999, A replaced by C.
Protein change: p.Ser667Arg; replaces serine 667 with arginine.
Molecular consequence: missense variant.
Genome position (GRCh38, 1-based): chr17:65,536,462, T>G on the plus strand (A>C on the coding strand, the complement: AXIN2 is on the minus strand). VCF-style: chr17-65536462-T-G. GRCh37 (hg19) VCF-style: chr17-63532580-T-G.
Other names: c.1804A>C, p.Ser602Arg (NM_001363813.1); short protein forms S602R, S667R.
Identifiers: ClinVar variation 1784104 (VCV001784104.2), dbSNP rs2509402546, ClinGen allele CA400676181.
Genomic context (GRCh38, chr17:65,536,462, plus strand): 5'-GAGGCATCGCAGGGTCCTGGGTGAACAGGTGGGCACGGGGGGTGGTGCGGGGGTGCCCGC[T>G]GTTGCCCCCCCACAGATGGTGCCGGCTGGCTCGTTCGCCTGGAGACGAGCGGGCAGACTC-3'
Protein context (NP_004646.3, residues 657-677): ASRHHLWGGN[Ser667Arg]GHPRTTPRAH